The following is an entry in ClinVar:

ClinVar aggregate classification (germline): Conflicting classifications of pathogenicity. Review status: criteria provided, conflicting classifications (1 of 4 stars). 2 submissions from 2 submitters: Likely pathogenic (1); Uncertain significance (1). Last evaluated 2026-07-06.

Conditions:
Cardiovascular phenotype. Identifiers: MedGen CN230736.
Hereditary cancer-predisposing syndrome. Also called: Hereditary Cancer Syndrome; Hereditary neoplastic syndrome; Neoplastic Syndromes, Hereditary; Tumor predisposition. Identifiers: Orphanet 140162, MedGen C0027672, MeSH D009386, MONDO:0015356.

gnomAD v4.1: 1 of 1,614,034 alleles (0.000062%); highest among the groups gnomAD compares: Non-Finnish European, 0.000085%; no homozygotes.

Submissions (2):

Ambry Genetics
Classification: Likely pathogenic for Cardiovascular phenotype; Hereditary cancer-predisposing syndrome. Last evaluated: 2026-07-06. Review status: criteria provided, single submitter. Criteria: Ambry Variant Classification Scheme 2023. Collection method: clinical testing. Allele origin: germline.
Comment: The c.400G>A variant (also known as p.G134R), located in coding exon 4 of the LZTR1 gene, results from a G to A substitution at nucleotide position 400. The amino acid change results in glycine to arginine at codon 134, an amino acid with dissimilar properties. However, this change occurs in the last base pair of coding exon 4, which makes it likely to have some effect on normal mRNA splicing. In silico splice site analysis predicts that this alteration will weaken the native splice donor site. RNA studies have demonstrated that this variant results in abnormal splicing in the set of samples tested (Ambry internal data). This variant is considered to be rare based on population cohorts in the Genome Aggregation Database (gnomAD). Loss-of-function variants in LZTR1 are related to an increased risk for schwannomas and autosomal recessive Noonan syndrome; however, such associations with autosomal dominant Noonan syndrome have not been observed (Piotrowski A et al. Nat Genet. 2014 Feb;46:182-7; Yamamoto GL et al. J Med Genet. 2015 Jun;52:413-21; Johnston JJ et al. Genet Med. 2018 10;20:1175-1185). Based on the supporting evidence, this variant is likely pathogenic for an increased risk of LZTR1-related schwannomatosis (SWN) and would be expected to cause autosomal recessive Noonan syndrome when present along with a second pathogenic or likely pathogenic variant on the other allele; however, the association of this variant with autosomal dominant Noonan syndrome is unlikely.

Labcorp Genetics (formerly Invitae), Labcorp
Classification: Uncertain significance. Last evaluated: 2025-12-08. Review status: criteria provided, single submitter. Criteria: Invitae Variant Classification Sherloc (09022015). Collection method: clinical testing. Allele origin: germline.
Comment: This sequence change replaces glycine, which is neutral and non-polar, with arginine, which is basic and polar, at codon 134 of the LZTR1 protein (p.Gly134Arg). This variant also falls at the last nucleotide of exon 4, which is part of the consensus splice site for this exon. This variant is not present in population databases (gnomAD no frequency). This variant has not been reported in the literature in individuals affected with LZTR1-related conditions. An algorithm developed to predict the effect of missense changes on protein structure and function (PolyPhen-2) suggests that this variant is likely to be disruptive. Variants that disrupt the consensus splice site are a relatively common cause of aberrant splicing (PMID: 17576681, 9536098). Algorithms developed to predict the effect of sequence changes on RNA splicing suggest that this variant may disrupt the consensus splice site. In summary, the available evidence is currently insufficient to determine the role of this variant in disease. Therefore, it has been classified as a Variant of Uncertain Significance.

Literature cited by the submitters: PubMed 17576681 (cited by Labcorp Genetics (formerly Invitae), Labcorp); PubMed 9536098 (cited by Labcorp Genetics (formerly Invitae), Labcorp).

NM_006767.4(LZTR1):c.400G>A (p.Gly134Arg)

Gene: LZTR1 (leucine zipper like post translational regulator 1; plus strand). Cytogenetic location: 22q11.21.
Variant type: single nucleotide variant.
Coding change: c.400G>A on transcript NM_006767.4 (MANE Select); coding-DNA position 400, G replaced by A.
Protein change: p.Gly134Arg; replaces glycine 134 with arginine.
Molecular consequence: missense variant.
Genome position (GRCh38, 1-based): chr22:20,987,583, G>A. VCF-style: chr22-20987583-G-A. GRCh37 (hg19) VCF-style: chr22-21341872-G-A.
Other names: c.400G>A (NM_006767.3); short protein forms G134R.
Identifiers: ClinVar variation 4742288 (VCV004742288.2).